The following is an entry in ClinVar:

ClinVar aggregate classification (germline): Pathogenic (1 of 4 stars; one submission).

Conditions:
Inborn genetic diseases. Identifiers: MedGen C0950123, MeSH D030342.

Submission:

Ambry Genetics
Classification: Pathogenic for Inborn genetic diseases. Last evaluated: 2024-11-04. Review status: criteria provided, single submitter. Criteria: Ambry Variant Classification Scheme 2023. Collection method: clinical testing. Allele origin: germline.
Comment: The c.5021_5022delTG (p.V1674Gfs*14) alteration, located in exon 11 (coding exon 11) of the SPEN gene, consists of a deletion of 2 nucleotides from position 5021 to 5022, causing a translational frameshift with a predicted alternate stop codon after 14 amino acids. This alteration is expected to result in loss of function by premature protein truncation or nonsense-mediated mRNA decay. This variant was not reported in population-based cohorts in the Genome Aggregation Database (gnomAD). Based on the available evidence, this alteration is classified as pathogenic.

NM_015001.3(SPEN):c.5021_5022del (p.Val1674fs)

Gene: SPEN (spen family transcriptional repressor; plus strand). Cytogenetic location: 1p36.13.
Variant type: Microsatellite.
Coding change: c.5021_5022del on transcript NM_015001.3 (MANE Select); coding-DNA positions 5021 to 5022, 2 bases deleted (TG; older notation c.5021_5022delTG).
Protein change: p.Val1674fs; shifts the reading frame from valine 1674.
Molecular consequence: frameshift variant.
Genome position (GRCh38, 1-based): chr1:15,931,261-15,931,262, TG deleted; deleting any 2 consecutive bases within chr1:15,931,259-15,931,262 gives the same sequence; the c. name uses the placement nearest the transcript's 3' end. VCF-style (leftmost placement, unchanged base first): chr1-15931258-CTG-C. GRCh37 (hg19) VCF-style: chr1-16257753-CTG-C.
Other names: short protein forms V1674fs.
Identifiers: ClinVar variation 3448407 (VCV003448407.1).